The following is an entry in ClinVar:

ClinVar aggregate classification (germline): Conflicting classifications of pathogenicity. Review status: criteria provided, conflicting classifications (1 of 4 stars). 5 submissions from 5 submitters: Uncertain significance (3); Likely benign (2). Last evaluated 2026-02-13.

Conditions:
Noonan syndrome 9 (NS9). Identifiers: Orphanet 648, MedGen C4225282, MONDO:0014691, OMIM 616559.
Cardiovascular phenotype. Identifiers: MedGen CN230736.

Allele frequency attached by ClinVar (database versions not stated): gnomAD exomes 0.00001 and 0.00002; ExAC 0.00003; gnomAD 0.00007 and 0.00009; TOPMed 0.00009; ESP Exome Variant Server 0.00015.

Submissions (5):

Ambry Genetics
Classification: Uncertain significance for Cardiovascular phenotype. Last evaluated: 2026-02-13. Review status: criteria provided, single submitter. Criteria: Ambry Variant Classification Scheme 2023. Collection method: clinical testing. Allele origin: germline.
Comment: The p.E241K variant (also known as c.721G>A), located in coding exon 6 of the SOS2 gene, results from a G to A substitution at nucleotide position 721. The glutamic acid at codon 241 is replaced by lysine, an amino acid with similar properties. This amino acid position is conserved. In addition, the in silico prediction for this alteration is inconclusive. Based on the available evidence, the clinical significance of this variant remains unclear.

Women's Health and Genetics/Laboratory Corporation of America, LabCorp
Classification: Likely benign. Last evaluated: 2026-02-03. Review status: criteria provided, single submitter. Criteria: LabCorp Variant Classification Summary - May 2015. Collection method: clinical testing. Allele origin: germline.
Comment: Variant summary: SOS2 c.721G>A (p.Glu241Lys) results in a conservative amino acid change in the encoded protein sequence. Algorithms developed to predict the effect of missense changes on protein structure and function are either unavailable or do not agree on the potential impact of this missense change. The variant allele was found at a frequency of 1.2e-05 in 1596492 control chromosomes, predominantly at a frequency of 0.00015 within the African or African-American subpopulation in the gnomAD v4 database. The observed variant frequency within African or African-American control individuals in the gnomAD database exceeds the estimated maximal expected allele frequency for disease-causing variants in SOS2. To our knowledge, no occurrence of c.721G>A in individuals affected with SOS2-related conditions and no experimental evidence demonstrating its impact on protein function have been reported. ClinVar contains an entry for this variant (Variation ID: 570816). Based on the evidence outlined above, the variant was classified as likely benign.

Labcorp Genetics (formerly Invitae), Labcorp
Classification: Likely benign for Noonan syndrome 9. Last evaluated: 2025-09-02. Review status: criteria provided, single submitter. Criteria: Invitae Variant Classification Sherloc (09022015). Collection method: clinical testing. Allele origin: germline.

GeneDx
Classification: Uncertain significance. Last evaluated: 2023-10-19. Review status: criteria provided, single submitter. Criteria: GeneDx Variant Classification Process June 2021. Collection method: clinical testing. Allele origin: germline. Affected: yes.
Comment: In silico analysis supports that this missense variant has a deleterious effect on protein structure/function; Has not been previously published as pathogenic or benign to our knowledge

Revvity Omics, Revvity
Classification: Uncertain significance for Noonan syndrome 9. Last evaluated: 2020-02-18. Review status: criteria provided, single submitter. Criteria: ACMG Guidelines, 2015. Collection method: clinical testing. Allele origin: germline.

NM_006939.4(SOS2):c.721G>A (p.Glu241Lys)

Gene: SOS2 (SOS Ras/Rho guanine nucleotide exchange factor 2; minus strand). Cytogenetic location: 14q21.3.
Variant type: single nucleotide variant.
Coding change: c.721G>A on transcript NM_006939.4 (MANE Select); coding-DNA position 721, G replaced by A.
Protein change: p.Glu241Lys; replaces glutamic acid 241 with lysine.
Molecular consequence: missense variant.
Genome position (GRCh38, 1-based): chr14:50,182,600, C>T on the plus strand (G>A on the coding strand, the complement: SOS2 is on the minus strand). VCF-style: chr14-50182600-C-T. GRCh37 (hg19) VCF-style: chr14-50649318-C-T.
Other names: short protein forms E241K.
Identifiers: ClinVar variation 570816 (VCV000570816.18), dbSNP rs148747022, ClinGen allele CA7177455.